The following is an entry in ClinVar:

ClinVar aggregate classification (germline): Likely benign. Review status: criteria provided, single submitter (1 of 4 stars). 2 submissions from 2 submitters: Likely benign (1). 1 of the submissions does not count toward it. Last evaluated 2025-12-03.

Conditions:
LAMA5-related disorder. Also called: LAMA5-Related Disorders; LAMA5-related condition.

Allele frequency attached by ClinVar (database versions not stated): 1000 Genomes Project 30x 0.00016; TOPMed 0.00066; ESP Exome Variant Server 0.00070.
gnomAD v4.1: 189 of 1,546,524 alleles (0.012%); highest among the groups gnomAD compares: African/African-American, 0.24%; 1 homozygote.

Submissions (2):

Labcorp Genetics (formerly Invitae), Labcorp
Classification: Likely benign. Last evaluated: 2025-12-03. Review status: criteria provided, single submitter. Criteria: Invitae Variant Classification Sherloc (09022015). Collection method: clinical testing. Allele origin: germline.

PreventionGenetics, part of Exact Sciences
Classification: Likely benign for LAMA5-related condition. Last evaluated: 2021-09-09. Review status: no assertion criteria provided. Collection method: clinical testing. Allele origin: germline. Not counted in ClinVar's aggregate classification.
Comment: This variant is classified as likely benign based on ACMG/AMP sequence variant interpretation guidelines (Richards et al. 2015 PMID: 25741868, with internal and published modifications).

NM_005560.6(LAMA5):c.5712C>G (p.Asp1904Glu)

Gene: LAMA5 (laminin subunit alpha 5; minus strand). Cytogenetic location: 20q13.33.
Variant type: single nucleotide variant.
Coding change: c.5712C>G on transcript NM_005560.6 (MANE Select); coding-DNA position 5712, C replaced by G.
Protein change: p.Asp1904Glu; replaces aspartic acid 1904 with glutamic acid.
Molecular consequence: missense variant.
Genome position (GRCh38, 1-based): chr20:62,324,136, G>C on the plus strand (C>G on the coding strand, the complement: LAMA5 is on the minus strand). VCF-style: chr20-62324136-G-C. GRCh37 (hg19) VCF-style: chr20-60899192-G-C.
Other names: c.5712C>G (NM_005560.4); short protein forms D1904E.
Identifiers: ClinVar variation 2069562 (VCV002069562.6), dbSNP rs139559822, ClinGen allele CA9942081.